The following is an entry in ClinVar:

ClinVar aggregate classification (germline): Uncertain significance (1 of 4 stars; one submission).

Conditions:
Fanconi anemia (FA). Also called: Fanconi's anemia. Identifiers: Orphanet 84, MedGen C0015625, MeSH D005199, MONDO:0019391.

Allele frequency attached by ClinVar (database versions not stated): gnomAD 0.00003; ExAC 0.00001; TOPMed 0.00002.
gnomAD v4.1: 38 of 1,609,158 alleles (0.0024%); highest among the groups gnomAD compares: South Asian, 0.0055%; no homozygotes.

Submission:

Labcorp Genetics (formerly Invitae), Labcorp
Classification: Uncertain significance for Fanconi anemia. Last evaluated: 2023-04-09. Review status: criteria provided, single submitter. Criteria: Invitae Variant Classification Sherloc (09022015). Collection method: clinical testing. Allele origin: germline.
Comment: Algorithms developed to predict the effect of missense changes on protein structure and function output the following: SIFT: "Not Available"; PolyPhen-2: "Benign"; Align-GVGD: "Not Available". The cysteine amino acid residue is found in multiple mammalian species, which suggests that this missense change does not adversely affect protein function. This variant has not been reported in the literature in individuals affected with SLX4-related conditions. ClinVar contains an entry for this variant (Variation ID: 1404525). This variant is present in population databases (rs760497928, gnomAD 0.003%). In summary, the available evidence is currently insufficient to determine the role of this variant in disease. Therefore, it has been classified as a Variant of Uncertain Significance. This sequence change replaces arginine, which is basic and polar, with cysteine, which is neutral and slightly polar, at codon 1468 of the SLX4 protein (p.Arg1468Cys).

NM_032444.4(SLX4):c.4402C>T (p.Arg1468Cys)

Gene: SLX4 (SLX4 structure-specific endonuclease subunit; minus strand). Cytogenetic location: 16p13.3.
Variant type: single nucleotide variant.
Coding change: c.4402C>T on transcript NM_032444.4 (MANE Select); coding-DNA position 4402, C replaced by T.
Protein change: p.Arg1468Cys; replaces arginine 1468 with cysteine.
Molecular consequence: missense variant.
Genome position (GRCh38, 1-based): chr16:3,589,236, G>A on the plus strand (C>T on the coding strand, the complement: SLX4 is on the minus strand). VCF-style: chr16-3589236-G-A. GRCh37 (hg19) VCF-style: chr16-3639237-G-A.
Other names: short protein forms R1468C.
Identifiers: ClinVar variation 1404525 (VCV001404525.6), dbSNP rs760497928, ClinGen allele CA7865654.